The following is an entry in ClinVar:

ClinVar aggregate classification (germline): Uncertain significance. Review status: criteria provided, multiple submitters, no conflicts (2 of 4 stars). 2 submissions from 2 submitters: Uncertain significance (2). Last evaluated 2022-07-11.

Conditions:
Joubert syndrome 21 (JBTS21). Identifiers: MedGen C3810212, MONDO:0014288, OMIM 615636.

Allele frequency attached by ClinVar (database versions not stated): gnomAD exomes below 0.00001; gnomAD 0.00001.
gnomAD v4.1: 5 of 1,613,396 alleles (0.00031%); highest among the groups gnomAD compares: East Asian, 0.0045%; no homozygotes.

Submissions (2):

Labcorp Genetics (formerly Invitae), Labcorp
Classification: Uncertain significance for Joubert syndrome 21. Last evaluated: 2022-07-11. Review status: criteria provided, single submitter. Criteria: Invitae Variant Classification Sherloc (09022015). Collection method: clinical testing. Allele origin: germline.
Comment: This sequence change replaces proline, which is neutral and non-polar, with serine, which is neutral and polar, at codon 514 of the CSPP1 protein (p.Pro514Ser). This variant is not present in population databases (gnomAD no frequency). This variant has not been reported in the literature in individuals affected with CSPP1-related conditions. ClinVar contains an entry for this variant (Variation ID: 861934). Algorithms developed to predict the effect of missense changes on protein structure and function are either unavailable or do not agree on the potential impact of this missense change (SIFT: "Tolerated"; PolyPhen-2: "Probably Damaging"; Align-GVGD: "Class C15"). In summary, the available evidence is currently insufficient to determine the role of this variant in disease. Therefore, it has been classified as a Variant of Uncertain Significance.

Fulgent Genetics
Classification: Uncertain significance for Joubert syndrome 21. Last evaluated: 2022-01-05. Review status: criteria provided, single submitter. Criteria: ACMG Guidelines, 2015. Collection method: clinical testing. Allele origin: unknown.

NM_001382391.1(CSPP1):c.1555C>T (p.Pro519Ser)

Gene: CSPP1 (centrosome and spindle pole associated protein 1; plus strand). Cytogenetic location: 8q13.2.
Variant type: single nucleotide variant.
Coding change: c.1555C>T on transcript NM_001382391.1 (MANE Select); coding-DNA position 1555, C replaced by T.
Protein change: p.Pro519Ser; replaces proline 519 with serine.
Molecular consequence: missense variant.
Genome position (GRCh38, 1-based): chr8:67,118,306, C>T. VCF-style: chr8-67118306-C-T. GRCh37 (hg19) VCF-style: chr8-68030541-C-T.
Other names: c.658C>T, p.Pro220Ser (NM_001291339.2); c.1474C>T, p.Pro492Ser (NM_001363131.2); c.1513C>T, p.Pro505Ser (NM_001363132.2); c.1432C>T, p.Pro478Ser (NM_001363133.2); c.1621C>T, p.Pro541Ser (NM_001364869.1); c.1441C>T, p.Pro481Ser (NM_001364870.1); c.1540C>T, p.Pro514Ser (NM_024790.7); short protein forms P481S, P220S, P478S, P492S, P505S, P514S, P541S, P519S.
Identifiers: ClinVar variation 861934 (VCV000861934.8), dbSNP rs1818326433, ClinGen allele CA371200583.